The following is an entry in ClinVar:

NM_017617.5(NOTCH1):c.6082+5G>A

Genes: NOTCH1 (notch receptor 1; minus strand), LOC126860794 (BRD4-independent group 4 enhancer GRCh37_chr9:139392592-139393791; plus strand). Cytogenetic location: 9q34.3.
Variant type: single nucleotide variant.
Coding change: c.6082+5G>A on transcript NM_017617.5 (MANE Select); 5 bases into the intron after coding-DNA position 6082, G replaced by A.
Molecular consequence: intron variant.
Genome position (GRCh38, 1-based): chr9:136,499,107, C>T on the plus strand (G>A on the coding strand, the complement: NOTCH1 is on the minus strand). VCF-style: chr9-136499107-C-T. GRCh37 (hg19) VCF-style: chr9-139393559-C-T.
Other names: c.6082+5G>A (LRG_1122t1).
Identifiers: ClinVar variation 645408 (VCV000645408.7), dbSNP rs1280026920, ClinGen allele CA591367155.

ClinVar aggregate classification (germline): Uncertain significance (1 of 4 stars; one submission).

Conditions:
Adams-Oliver syndrome 5 (AOS5). Identifiers: Orphanet 974, MedGen C4014970, MONDO:0014459, OMIM 616028.

Allele frequency attached by ClinVar (database versions not stated): gnomAD exomes below 0.00001.
gnomAD v4.1: 1 of 1,613,110 alleles (0.000062%); highest among the groups gnomAD compares: Non-Finnish European, 0.000085%; no homozygotes.

Submission:

Labcorp Genetics (formerly Invitae), Labcorp
Classification: Uncertain significance for Adams-Oliver syndrome 5. Last evaluated: 2025-09-21. Review status: criteria provided, single submitter. Criteria: Invitae Variant Classification Sherloc (09022015). Collection method: clinical testing. Allele origin: germline.
Comment: This sequence change falls in intron 32 of the NOTCH1 gene. It does not directly change the encoded amino acid sequence of the NOTCH1 protein. It affects a nucleotide within the consensus splice site. The frequency data for this variant in the population databases is considered unreliable, as metrics indicate poor data quality at this position in the gnomAD database. This variant has not been reported in the literature in individuals affected with NOTCH1-related conditions. ClinVar contains an entry for this variant (Variation ID: 645408). Variants that disrupt the consensus splice site are a relatively common cause of aberrant splicing (PMID: 17576681, 9536098). Algorithms developed to predict the effect of sequence changes on RNA splicing suggest that this variant may disrupt the consensus splice site. In summary, the available evidence is currently insufficient to determine the role of this variant in disease. Therefore, it has been classified as a Variant of Uncertain Significance.

Literature cited by the submitters: PubMed 17576681; PubMed 9536098.